The following is an entry in ClinVar:

ClinVar aggregate classification (germline): Likely benign (1 of 4 stars; one submission).

Submission:

CeGaT Center for Human Genetics Tuebingen
Classification: Likely benign. Last evaluated: 2025-08-01. Review status: criteria provided, single submitter. Criteria: CeGaT Center For Human Genetics Tuebingen Variant Classification Criteria Version 2. Collection method: clinical testing. Allele origin: germline. Affected: yes. Observed: 1 variant allele.
Comment: APC: PM2:Supporting, BP4, BP7

NM_000038.6(APC):c.3114T>C (p.Ser1038=)

Gene: APC (APC regulator of Wnt signaling pathway; plus strand). Cytogenetic location: 5q22.2.
Variant type: single nucleotide variant.
Coding change: c.3114T>C on transcript NM_000038.6 (MANE Select); coding-DNA position 3114, T replaced by C.
Protein change: p.Ser1038=; no amino-acid change (serine 1038 retained).
Molecular consequence: synonymous variant. On other transcripts: non-coding transcript variant (2).
Genome position (GRCh38, 1-based): chr5:112,838,708, T>C. VCF-style: chr5-112838708-T-C. GRCh37 (hg19) VCF-style: chr5-112174405-T-C.
Other names: c.3114T>C, p.Ser1038= (NM_001127510.3, NM_001354895.2, NM_001407450.1); c.3060T>C, p.Ser1020= (NM_001127511.3); c.3168T>C, p.Ser1056= (NM_001354896.2, NM_001407447.1, NM_001407448.1 and 1 more transcripts); c.3144T>C, p.Ser1048= (NM_001354897.2); c.3039T>C, p.Ser1013= (NM_001354898.2); c.3030T>C, p.Ser1010= (NM_001354899.2); c.2991T>C, p.Ser997= (NM_001354900.2); c.2937T>C, p.Ser979= (NM_001354901.2, NM_001407453.1); and 11 more.
Identifiers: ClinVar variation 4085708 (VCV004085708.8).